The following is an entry in ClinVar:

NM_001130987.2(DYSF):c.3228+13G>A

Gene: DYSF (dysferlin; plus strand). Cytogenetic location: 2p13.2.
Variant type: single nucleotide variant.
Coding change: c.3228+13G>A on transcript NM_001130987.2 (MANE Select); 13 bases into the intron after coding-DNA position 3228, G replaced by A.
Molecular consequence: intron variant.
Genome position (GRCh38, 1-based): chr2:71,570,754, G>A. VCF-style: chr2-71570754-G-A. GRCh37 (hg19) VCF-style: chr2-71797884-G-A.
Other names: c.3267+13G>A (NM_001130979.2); c.3225+13G>A (NM_001130981.2, NM_001130980.2); c.3174+13G>A (NM_001130978.2, NM_003494.4); c.3132+13G>A (NM_001130977.2, NM_001130976.2); c.3270+13G>A (NM_001130982.2); c.3228+13G>A (NM_001130985.2); c.3177+13G>A (NM_001130983.2, NM_001130455.2); c.3135+13G>A (NM_001130984.2, NM_001130986.2).
Identifiers: ClinVar variation 518129 (VCV000518129.1), dbSNP rs896149148, ClinGen allele CA49746856.

ClinVar aggregate classification (germline): Likely benign (1 of 4 stars; one submission).

Allele frequency attached by ClinVar (database versions not stated): TOPMed below 0.00001.

Submission:

GeneDx
Classification: Likely benign. Last evaluated: 2017-06-23. Review status: criteria provided, single submitter. Criteria: GeneDx Variant Classification (06012015). Collection method: clinical testing. Allele origin: germline. Affected: yes.
Comment: This variant is considered likely benign or benign based on one or more of the following criteria: it is a conservative change, it occurs at a poorly conserved position in the protein, it is predicted to be benign by multiple in silico algorithms, and/or has population frequency not consistent with disease.